The following is an entry in ClinVar:

NM_021098.3(CACNA1H):c.3248C>T (p.Thr1083Met)

Gene: CACNA1H (calcium voltage-gated channel subunit alpha1 H; plus strand). Cytogenetic location: 16p13.3.
Variant type: single nucleotide variant.
Coding change: c.3248C>T on transcript NM_021098.3 (MANE Select); coding-DNA position 3248, C replaced by T.
Protein change: p.Thr1083Met; replaces threonine 1083 with methionine.
Molecular consequence: missense variant.
Genome position (GRCh38, 1-based): chr16:1,208,106, C>T. VCF-style: chr16-1208106-C-T. GRCh37 (hg19) VCF-style: chr16-1258106-C-T.
Other names: c.3248C>T, p.Thr1083Met (NM_001005407.2); short protein forms T1083M.
Identifiers: ClinVar variation 418103 (VCV000418103.3), dbSNP rs1064793076, ClinGen allele CA16620068.
Genomic context (GRCh38, chr16:1,208,106, plus strand): 5'-ACGGGCACCTGGAGGGACGAGGCAGCCTGTCCCCTCCCCTCATCATGTGCACAGCTGCCA[C>T]GCCCATGCCTACCCCCAAGAGCTCACCATTCCTGGATGCAGCCCCCAGCCTCCCAGACTC-3'
Protein context (NP_066921.2, residues 1073-1093): SPPLIMCTAA[Thr1083Met]PMPTPKSSPF

ClinVar aggregate classification (germline): Conflicting classifications of pathogenicity. Review status: criteria provided, conflicting classifications (1 of 4 stars). 2 submissions from 2 submitters: Likely pathogenic (1); Uncertain significance (1). Last evaluated 2024-04-03.

Conditions:
Epilepsy, childhood absence, susceptibility to, 6. Identifiers: Orphanet 64280, MedGen C2749872, MONDO:0012763, OMIM 611942.
Hyperaldosteronism, familial, type IV (HALD4). Also called: FH IV; ALDOSTERONISM, PRIMARY, AND HYPERTENSION. Identifiers: Orphanet 642671, MedGen C4310756, MONDO:0014875, OMIM 617027.

Allele frequency attached by ClinVar (database versions not stated): TOPMed below 0.00001; gnomAD exomes 0.00001.
gnomAD v4.1: 12 of 1,595,254 alleles (0.00075%); highest among the groups gnomAD compares: Non-Finnish European, 0.001%; no homozygotes.

Submissions (2):

Fulgent Genetics
Classification: Uncertain significance for Epilepsy, childhood absence, susceptibility to, 6; Hyperaldosteronism, familial, type IV. Last evaluated: 2024-04-03. Review status: criteria provided, single submitter. Criteria: ACMG Guidelines, 2015. Collection method: clinical testing. Allele origin: germline.

GeneDx
Classification: Likely pathogenic. Last evaluated: 2015-07-14. Review status: criteria provided, single submitter. Criteria: GeneDx Variant Classification (06012015). Collection method: clinical testing. Allele origin: germline. Affected: yes.
Comment: The T1083M variant in the CACNA1H gene has not been published as a pathogenic variant, nor has it been reported as a benign polymorphism to our knowledge. The T1083M variant was not observed in approximately 6,200 individuals of European and African American ancestry in the NHLBI Exome Sequencing Project, indicating it is not a common benign variant in these populations. The T1083M variant is a nonconservative amino acid substitution, which occurs at a position that is well-conserved across species, and in silico analysis predicts this variant is probably damaging to the protein structure/function. Although the T1083M variant is a good candidate for a disease-causing variant, the possibility it may be a rare benign variant cannot be excluded.